The following is an entry in ClinVar:

ClinVar aggregate classification (germline): Uncertain significance (1 of 4 stars; one submission).

Conditions:
Retinoblastoma (RB1). Also called: RETINOBLASTOMA, SOMATIC. Identifiers: Orphanet 790, MedGen C0035335, MeSH D012175, MONDO:0008380, OMIM 180200, HP:0009919. Disease mechanism: loss of function. Inheritance: Both sporadic and heritable forms are tested..

Submission:

Labcorp Genetics (formerly Invitae), Labcorp
Classification: Uncertain significance for Retinoblastoma. Last evaluated: 2021-12-07. Review status: criteria provided, single submitter. Criteria: Invitae Variant Classification Sherloc (09022015). Collection method: clinical testing. Allele origin: germline.
Comment: This sequence change replaces threonine, which is neutral and polar, with alanine, which is neutral and non-polar, at codon 353 of the RB1 protein (p.Thr353Ala). This variant is not present in population databases (gnomAD no frequency). This variant has not been reported in the literature in individuals affected with RB1-related conditions. Algorithms developed to predict the effect of missense changes on protein structure and function output the following: SIFT: "Tolerated"; PolyPhen-2: "Benign"; Align-GVGD: "Class C0". The alanine amino acid residue is found in multiple mammalian species, which suggests that this missense change does not adversely affect protein function. In summary, the available evidence is currently insufficient to determine the role of this variant in disease. Therefore, it has been classified as a Variant of Uncertain Significance.

NM_000321.3(RB1):c.1057A>G (p.Thr353Ala)

Gene: RB1 (RB transcriptional corepressor 1; plus strand). Cytogenetic location: 13q14.2.
Variant type: single nucleotide variant.
Coding change: c.1057A>G on transcript NM_000321.3 (MANE Select); coding-DNA position 1057, A replaced by G.
Protein change: p.Thr353Ala; replaces threonine 353 with alanine.
Molecular consequence: missense variant.
Genome position (GRCh38, 1-based): chr13:48,368,534, A>G. VCF-style: chr13-48368534-A-G. GRCh37 (hg19) VCF-style: chr13-48942670-A-G.
Other names: c.1057A>G, p.Thr353Ala (NM_001407165.1, NM_001407166.1); short protein forms T353A.
Identifiers: ClinVar variation 1955512 (VCV001955512.5), dbSNP rs2542189737, ClinGen allele CA388161088.